The following is an entry in ClinVar:

ClinVar aggregate classification (germline): Benign/Likely benign. Review status: criteria provided, multiple submitters, no conflicts (2 of 4 stars). 4 submissions from 4 submitters: Benign (1); Likely benign (3). Last evaluated 2025-12-30.

Conditions:
Frontotemporal dementia and/or amyotrophic lateral sclerosis 6 (FTDALS6). Also called: VCP-Related Amyotrophic Lateral Sclerosis/Frontotemporal Dementia; VCP-Related Amyotrophic Lateral Sclerosis. Identifiers: Orphanet 275872, Orphanet 803, MedGen C5436279, MONDO:0013501, OMIM 613954.
Inclusion body myopathy with Paget disease of bone and frontotemporal dementia. Also called: Inclusion body myopathy with early-onset Paget disease and frontotemporal dementia. Identifiers: Orphanet 52430, MedGen C1833662, MONDO:0000507.

Allele frequency attached by ClinVar (database versions not stated): gnomAD exomes 0.00001 and 0.00003; ExAC 0.00004; ESP Exome Variant Server 0.00008; 1000 Genomes Project 30x 0.00016; 1000 Genomes Project 0.00020; TOPMed 0.00020; gnomAD 0.00022 and 0.00024.
gnomAD v4.1: 53 of 1,614,114 alleles (0.0033%); highest among the groups gnomAD compares: African/African-American, 0.059%; no homozygotes.

Submissions (4):

Labcorp Genetics (formerly Invitae), Labcorp
Classification: Likely benign for Inclusion body myopathy with Paget disease of bone and frontotemporal dementia; Frontotemporal dementia and/or amyotrophic lateral sclerosis 6. Last evaluated: 2025-12-30. Review status: criteria provided, single submitter. Criteria: Invitae Variant Classification Sherloc (09022015). Collection method: clinical testing. Allele origin: germline.

CeGaT Center for Human Genetics Tuebingen
Classification: Likely benign. Last evaluated: 2025-03-01. Review status: criteria provided, single submitter. Criteria: CeGaT Center For Human Genetics Tuebingen Variant Classification Criteria Version 2. Collection method: clinical testing. Allele origin: germline. Affected: yes. Observed: 1 variant allele.
Comment: VCP: BP4

Blueprint Genetics
Classification: Benign. Last evaluated: 2023-11-20. Review status: criteria provided, single submitter. Criteria: ACMG Guidelines, 2015. Collection method: clinical testing. Allele origin: germline.

Breakthrough Genomics
Classification: Likely benign. Review status: criteria provided, single submitter. Criteria: ACMG Guidelines, 2015. Collection method: not provided. Allele origin: germline. Inheritance: Autosomal dominant inheritance. Affected: yes.

NM_007126.5(VCP):c.924C>T (p.Ala308=)

Gene: VCP (valosin containing protein; minus strand). Cytogenetic location: 9p13.3.
Variant type: single nucleotide variant.
Coding change: c.924C>T on transcript NM_007126.5 (MANE Select); coding-DNA position 924, C replaced by T.
Protein change: p.Ala308=; no amino-acid change (alanine 308 retained).
Molecular consequence: synonymous variant.
Genome position (GRCh38, 1-based): chr9:35,062,238, G>A on the plus strand (C>T on the coding strand, the complement: VCP is on the minus strand). VCF-style: chr9-35062238-G-A. GRCh37 (hg19) VCF-style: chr9-35062235-G-A.
Other names: c.789C>T, p.Ala263= (NM_001354927.2, NM_001354928.2).
Identifiers: ClinVar variation 767613 (VCV000767613.20), dbSNP rs199504528, ClinGen allele CA5039354.